The following is an entry in ClinVar:

NM_001232.4(CASQ2):c.838+275C>T

Gene: CASQ2 (calsequestrin 2; minus strand). Cytogenetic location: 1p13.1.
Variant type: single nucleotide variant.
Coding change: c.838+275C>T on transcript NM_001232.4 (MANE Select); 275 bases into the intron after coding-DNA position 838, C replaced by T.
Molecular consequence: intron variant.
Genome position (GRCh38, 1-based): chr1:115,717,565, G>A on the plus strand (C>T on the coding strand, the complement: CASQ2 is on the minus strand). VCF-style: chr1-115717565-G-A. GRCh37 (hg19) VCF-style: chr1-116260186-G-A.
Identifiers: ClinVar variation 673495 (VCV000673495.1), dbSNP rs147009060, ClinGen allele CA29626933.

ClinVar aggregate classification (germline): Likely benign (1 of 4 stars; one submission).

Allele frequency attached by ClinVar (database versions not stated): gnomAD 0.00552 and 0.00597; 1000 Genomes Project 30x 0.00562; TOPMed 0.00613; 1000 Genomes Project 0.00639.
gnomAD v4.1: 828 of 152,186 alleles (0.54%); highest among the groups gnomAD compares: African/African-American, 1.9%; 8 homozygotes.

Submission:

GeneDx
Classification: Likely benign. Last evaluated: 2018-06-16. Review status: criteria provided, single submitter. Criteria: GeneDx Variant Classification (06012015). Collection method: clinical testing. Allele origin: germline. Affected: yes.
Comment: This variant is considered likely benign or benign based on one or more of the following criteria: it is a conservative change, it occurs at a poorly conserved position in the protein, it is predicted to be benign by multiple in silico algorithms, and/or has population frequency not consistent with disease.